The following is an entry in ClinVar:

ClinVar aggregate classification (germline): Likely benign. Review status: criteria provided, multiple submitters, no conflicts (2 of 4 stars). 3 submissions from 3 submitters: Likely benign (2). 1 of the submissions does not count toward it. Last evaluated 2026-02-01.

Conditions:
EPG5-related disorder. Also called: EPG5-related condition. Identifiers: MedGen CN381528.
Vici syndrome (VICIS). Identifiers: Orphanet 1493, MedGen C1855772, MONDO:0009452, OMIM 242840.

gnomAD v4.1: 18 of 1,613,956 alleles (0.0011%); highest among the groups gnomAD compares: Admixed American, 0.015%; no homozygotes.

Submissions (3):

CeGaT Center for Human Genetics Tuebingen
Classification: Likely benign. Last evaluated: 2026-02-01. Review status: criteria provided, single submitter. Criteria: CeGaT Center For Human Genetics Tuebingen Variant Classification Criteria Version 2. Collection method: clinical testing. Allele origin: germline. Affected: yes. Observed: 1 variant allele.
Comment: EPG5: BP4, BP7

Labcorp Genetics (formerly Invitae), Labcorp
Classification: Likely benign for Vici syndrome. Last evaluated: 2025-09-15. Review status: criteria provided, single submitter. Criteria: Invitae Variant Classification Sherloc (09022015). Collection method: clinical testing. Allele origin: germline.

PreventionGenetics, part of Exact Sciences
Classification: Likely benign for EPG5-related condition. Last evaluated: 2020-10-12. Review status: no assertion criteria provided. Collection method: clinical testing. Allele origin: germline. Not counted in ClinVar's aggregate classification.
Comment: This variant is classified as likely benign based on ACMG/AMP sequence variant interpretation guidelines (Richards et al. 2015 PMID: 25741868, with internal and published modifications).

NM_020964.3(EPG5):c.291G>A (p.Thr97=)

Gene: EPG5 (ectopic P-granules 5 autophagy tethering factor; minus strand). Cytogenetic location: 18q21.1.
Variant type: single nucleotide variant.
Coding change: c.291G>A on transcript NM_020964.3 (MANE Select); coding-DNA position 291, G replaced by A.
Protein change: p.Thr97=; no amino-acid change (threonine 97 retained).
Molecular consequence: synonymous variant.
Genome position (GRCh38, 1-based): chr18:45,955,111, C>T on the plus strand (G>A on the coding strand, the complement: EPG5 is on the minus strand). VCF-style: chr18-45955111-C-T. GRCh37 (hg19) VCF-style: chr18-43535077-C-T.
Other names: c.291G>A (NM_020964.2).
Identifiers: ClinVar variation 1554787 (VCV001554787.15), dbSNP rs376360251, ClinGen allele CA503984713.
Genomic context (GRCh38, chr18:45,955,111, plus strand): 5'-TGCACTGTCCCCCACACAGGGTCTGGCCTCTCCCCCTTCCTTTGGGGGCTCTGTGTTACA[C>T]GTCAGGGACTCTTCATTGCTTATAGTTAAGGAGGTGAGTGGTACATCAAACATTTCACTC-3'
Protein context (NP_066015.2, residues 87-107): SLTISNEESL[Thr97=]CNTEPPKEGG